The following is an entry in ClinVar:

ClinVar aggregate classification (germline): Uncertain significance (1 of 4 stars; one submission).

Conditions:
Autosomal recessive limb-girdle muscular dystrophy type 2Y (MRRSDC). Also called: Muscular dystrophy, limb-girdle, type 2y; Muscular dystrophy, autosomal recessive, with rigid spine and distal joint contractures. Identifiers: Orphanet 424261, MedGen C4511482, MONDO:0014900, OMIM 617072.

Allele frequency attached by ClinVar (database versions not stated): TOPMed below 0.00001; gnomAD 0.00001; ExAC 0.00002; ESP Exome Variant Server 0.00008.
gnomAD v4.1: 5 of 1,614,132 alleles (0.00031%); highest among the groups gnomAD compares: African/African-American, 0.0027%; no homozygotes.

Submission:

Labcorp Genetics (formerly Invitae), Labcorp
Classification: Uncertain significance for Autosomal recessive limb-girdle muscular dystrophy type 2Y. Last evaluated: 2022-03-03. Review status: criteria provided, single submitter. Criteria: Invitae Variant Classification Sherloc (09022015). Collection method: clinical testing. Allele origin: germline.
Comment: This sequence change replaces threonine, which is neutral and polar, with alanine, which is neutral and non-polar, at codon 490 of the TOR1AIP1 protein (p.Thr490Ala). This variant is present in population databases (rs375127929, gnomAD 0.03%). This variant has not been reported in the literature in individuals affected with TOR1AIP1-related conditions. ClinVar contains an entry for this variant (Variation ID: 577211). Algorithms developed to predict the effect of missense changes on protein structure and function output the following: SIFT: "Deleterious"; PolyPhen-2: "Possibly Damaging"; Align-GVGD: "Class C55". The alanine amino acid residue is found in multiple mammalian species, which suggests that this missense change does not adversely affect protein function. In summary, the available evidence is currently insufficient to determine the role of this variant in disease. Therefore, it has been classified as a Variant of Uncertain Significance.

NM_015602.4(TOR1AIP1):c.1465A>G (p.Thr489Ala)

Gene: TOR1AIP1 (torsin 1A interacting protein 1; plus strand). Cytogenetic location: 1q25.2.
Variant type: single nucleotide variant.
Coding change: c.1465A>G on transcript NM_015602.4 (MANE Select); coding-DNA position 1465, A replaced by G.
Protein change: p.Thr489Ala; replaces threonine 489 with alanine.
Molecular consequence: missense variant.
Genome position (GRCh38, 1-based): chr1:179,917,952, A>G. VCF-style: chr1-179917952-A-G. GRCh37 (hg19) VCF-style: chr1-179887087-A-G.
Other names: c.1468A>G, p.Thr490Ala (NM_001267578.2); short protein forms T490A, T489A.
Identifiers: ClinVar variation 577211 (VCV000577211.6), dbSNP rs375127929, ClinGen allele CA1269153.
Genomic context (GRCh38, chr1:179,917,952, plus strand): 5'-TTTAAGAATGGCCAGAATGCAGCTGTGGTACACCGCTTTGAGTCATTTCCCGCAGGCTCT[A>G]CTTTGATCTTCTACAAATATTGTGACCATGAAAACGCGGCCTTCAAAGATGTAGCCTTAG-3'
Protein context (NP_056417.2, residues 479-499): HRFESFPAGS[Thr489Ala]LIFYKYCDHE